The following is an entry in ClinVar:

ClinVar aggregate classification (germline): Uncertain significance (1 of 4 stars; one submission).

Conditions:
Distal myopathy with posterior leg and anterior hand involvement. Also called: WILLIAMS DISTAL MYOPATHY. Identifiers: Orphanet 63273, MedGen C3279722, MONDO:0013550, OMIM 614065.
Hypertrophic cardiomyopathy 26. Also called: Cardiomyopathy, familial hypertrophic, 26. Identifiers: Orphanet 75249, MedGen C4310749, MONDO:0014883, OMIM 617047.
Myofibrillar myopathy 5. Also called: Filaminopathy (type); FILAMINOPATHY, AUTOSOMAL DOMINANT. Identifiers: Orphanet 171445, MedGen C1836050, MONDO:0012289, OMIM 609524.

gnomAD v4.1: 1 of 1,607,056 alleles (0.000062%); highest among the groups gnomAD compares: Non-Finnish European, 0.000085%; no homozygotes.

Submission:

Labcorp Genetics (formerly Invitae), Labcorp
Classification: Uncertain significance for Distal myopathy with posterior leg and anterior hand involvement; Myofibrillar myopathy 5; Hypertrophic cardiomyopathy 26. Last evaluated: 2024-04-17. Review status: criteria provided, single submitter. Criteria: Invitae Variant Classification Sherloc (09022015). Collection method: clinical testing. Allele origin: germline.
Comment: This sequence change replaces asparagine, which is neutral and polar, with lysine, which is basic and polar, at codon 2689 of the FLNC protein (p.Asn2689Lys). This variant is not present in population databases (gnomAD no frequency). This variant has not been reported in the literature in individuals affected with FLNC-related conditions. Advanced modeling of protein sequence and biophysical properties (such as structural, functional, and spatial information, amino acid conservation, physicochemical variation, residue mobility, and thermodynamic stability) performed at Invitae indicates that this missense variant is not expected to disrupt FLNC protein function with a negative predictive value of 95%. In summary, the available evidence is currently insufficient to determine the role of this variant in disease. Therefore, it has been classified as a Variant of Uncertain Significance.

NM_001458.5(FLNC):c.8067C>G (p.Asn2689Lys)

Genes: FLNC-AS1 (FLNC antisense RNA 1; minus strand), FLNC (filamin C; plus strand). Cytogenetic location: 7q32.1.
Variant type: single nucleotide variant.
Coding change: c.8067C>G on transcript NM_001458.5 (MANE Select); coding-DNA position 8067, C replaced by G.
Protein change: p.Asn2689Lys; replaces asparagine 2689 with lysine.
Molecular consequence: missense variant.
Genome position (GRCh38, 1-based): chr7:128,858,412, C>G. VCF-style: chr7-128858412-C-G. GRCh37 (hg19) VCF-style: chr7-128498466-C-G.
Other names: c.7968C>G, p.Asn2656Lys (NM_001127487.2); short protein forms N2656K, N2689K.
Identifiers: ClinVar variation 3755911 (VCV003755911.2).